The following is an entry in ClinVar:

NM_138348.6(OTULIN):c.562A>T (p.Ile188Phe)

Gene: OTULIN (OTU deubiquitinase with linear linkage specificity; plus strand). Cytogenetic location: 5p15.2.
Variant type: single nucleotide variant.
Coding change: c.562A>T on transcript NM_138348.6 (MANE Select); coding-DNA position 562, A replaced by T.
Protein change: p.Ile188Phe; replaces isoleucine 188 with phenylalanine.
Molecular consequence: missense variant.
Genome position (GRCh38, 1-based): chr5:14,687,614, A>T. VCF-style: chr5-14687614-A-T. GRCh37 (hg19) VCF-style: chr5-14687723-A-T.
Other names: short protein forms I188F.
Identifiers: ClinVar variation 1997423 (VCV001997423.4), dbSNP rs1354589533, ClinGen allele CA359243349.

ClinVar aggregate classification (germline): Uncertain significance (1 of 4 stars; one submission).

Submission:

Labcorp Genetics (formerly Invitae), Labcorp
Classification: Uncertain significance. Last evaluated: 2022-05-21. Review status: criteria provided, single submitter. Criteria: Invitae Variant Classification Sherloc (09022015). Collection method: clinical testing. Allele origin: germline.
Comment: This sequence change replaces isoleucine, which is neutral and non-polar, with phenylalanine, which is neutral and non-polar, at codon 188 of the OTULIN protein (p.Ile188Phe). This variant is not present in population databases (gnomAD no frequency). This variant has not been reported in the literature in individuals affected with OTULIN-related conditions. Algorithms developed to predict the effect of missense changes on protein structure and function are either unavailable or do not agree on the potential impact of this missense change (SIFT: "Deleterious"; PolyPhen-2: "Possibly Damaging"; Align-GVGD: "Class C0"). In summary, the available evidence is currently insufficient to determine the role of this variant in disease. Therefore, it has been classified as a Variant of Uncertain Significance.